The following is an entry in ClinVar:

ClinVar aggregate classification (germline): Uncertain significance (1 of 4 stars; one submission).

Conditions:
Cardiovascular phenotype. Identifiers: MedGen CN230736.

Allele frequency attached by ClinVar (database versions not stated): gnomAD exomes 0.00001.
gnomAD v4.1: 7 of 1,614,036 alleles (0.00043%); highest among the groups gnomAD compares: Non-Finnish European, 0.00059%; no homozygotes.

Submission:

Ambry Genetics
Classification: Uncertain significance for Cardiovascular phenotype. Last evaluated: 2022-05-24. Review status: criteria provided, single submitter. Criteria: Ambry Variant Classification Scheme 2023. Collection method: clinical testing. Allele origin: germline.
Comment: The p.E2023D variant (also known as c.6069G>C), located in coding exon 38 of the ANK2 gene, results from a G to C substitution at nucleotide position 6069. The glutamic acid at codon 2023 is replaced by aspartic acid, an amino acid with highly similar properties. This amino acid position is conserved. In addition, this alteration is predicted to be tolerated by in silico analysis. Since supporting evidence is limited at this time, the clinical significance of this alteration remains unclear.

NM_001148.6(ANK2):c.6069G>C (p.Glu2023Asp)

Genes: ANK2 (ankyrin 2; plus strand), LOC126807136 (MED14-independent group 3 enhancer GRCh37_chr4:114274931-114276130; plus strand). Cytogenetic location: 4q26.
Variant type: single nucleotide variant.
Coding change: c.6069G>C on transcript NM_001148.6 (MANE Select); coding-DNA position 6069, G replaced by C.
Protein change: p.Glu2023Asp; replaces glutamic acid 2023 with aspartic acid.
Molecular consequence: missense variant. On other transcripts: intron variant (68).
Genome position (GRCh38, 1-based): chr4:113,354,687, G>C. VCF-style: chr4-113354687-G-C. GRCh37 (hg19) VCF-style: chr4-114275843-G-C.
Other names: c.5835G>C, p.Glu1945Asp (NM_001386142.1); c.4126+4438G>C (NM_001354273.2); c.4426+4438G>C (NM_020977.5); c.2469G>C, p.Glu823Asp (NM_001386166.1); c.4483+4438G>C (NM_001386152.1); c.6210G>C, p.Glu2070Asp (NM_001386174.1); c.4504+4438G>C (NM_001354237.2); c.6186G>C, p.Glu2062Asp (NM_001386175.1); and 35 more; short protein forms E823D, E2062D, E1945D, E2023D, E2070D.
Identifiers: ClinVar variation 1751361 (VCV001751361.2), dbSNP rs939580030, ClinGen allele CA103813031.
Genomic context (GRCh38, chr4:113,354,687, plus strand): 5'-TTCTAAACATAAAACTGGACTCTTTGAGCACAAATCAGCAAAACAAAAGCAGCCACAAGA[G>C]AAAGGTAAAGTTCGGGTAGAAAAAGAAAAGGGGCCGATACTAACCCAGAGAGAAGCTCAG-3'
Protein context (NP_001139.3, residues 2013-2033): HKSAKQKQPQ[Glu2023Asp]KGKVRVEKEK